The following is an entry in ClinVar:

NM_000123.4(ERCC5):c.1556G>A (p.Gly519Glu)

Genes: BIVM-ERCC5 (BIVM-ERCC5 readthrough; plus strand), ERCC5 (ERCC excision repair 5, endonuclease; plus strand). Cytogenetic location: 13q33.1.
Variant type: single nucleotide variant.
Coding change: c.1556G>A on transcript NM_000123.4 (MANE Select); coding-DNA position 1556, G replaced by A.
Protein change: p.Gly519Glu; replaces glycine 519 with glutamic acid.
Molecular consequence: missense variant.
Genome position (GRCh38, 1-based): chr13:102,862,705, G>A. VCF-style: chr13-102862705-G-A. GRCh37 (hg19) VCF-style: chr13-103515055-G-A.
Other names: c.2918G>A, p.Gly973Glu (NM_001204425.2); short protein forms G519E, G973E.
Identifiers: ClinVar variation 134194 (VCV000134194.1), dbSNP rs587778297, ClinGen allele CA159077.

ClinVar aggregate classification (germline): not provided (0 of 4 stars; one submission).

Submission:

ITMI
No classification provided. Condition: AllHighlyPenetrant. Last evaluated: 2013-09-19. Review status: no classification provided. Collection method: reference population. Allele origin: germline.
Comment: Please see associated publication for description of ethnicities

Literature cited by the submitters: PubMed 24728327.